The following is an entry in ClinVar:

ClinVar aggregate classification (germline): Uncertain significance. Review status: criteria provided, multiple submitters, no conflicts (2 of 4 stars). 2 submissions from 2 submitters: Uncertain significance (2). Last evaluated 2024-03-04.

Conditions:
Inborn genetic diseases. Identifiers: MedGen C0950123, MeSH D030342.

Allele frequency attached by ClinVar (database versions not stated): gnomAD 0.00009; gnomAD exomes 0.00009; TOPMed 0.00009; ExAC 0.00014.
gnomAD v4.1: 138 of 1,590,128 alleles (0.0087%); highest among the groups gnomAD compares: Non-Finnish European, 0.01%; no homozygotes.

Submissions (2):

Ambry Genetics
Classification: Uncertain significance for Inborn genetic diseases. Last evaluated: 2024-03-04. Review status: criteria provided, single submitter. Criteria: Ambry Variant Classification Scheme 2023. Collection method: clinical testing. Allele origin: germline.

Labcorp Genetics (formerly Invitae), Labcorp
Classification: Uncertain significance. Last evaluated: 2022-08-09. Review status: criteria provided, single submitter. Criteria: Invitae Variant Classification Sherloc (09022015). Collection method: clinical testing. Allele origin: germline.
Comment: This sequence change replaces arginine, which is basic and polar, with glutamine, which is neutral and polar, at codon 3050 of the PCLO protein (p.Arg3050Gln). This variant is present in population databases (rs773029020, gnomAD 0.02%). This variant has not been reported in the literature in individuals affected with PCLO-related conditions. ClinVar contains an entry for this variant (Variation ID: 1417965). Algorithms developed to predict the effect of missense changes on protein structure and function are either unavailable or do not agree on the potential impact of this missense change (SIFT: "Deleterious"; PolyPhen-2: "Not Available"; Align-GVGD: "Class C0"). In summary, the available evidence is currently insufficient to determine the role of this variant in disease. Therefore, it has been classified as a Variant of Uncertain Significance.

NM_033026.6(PCLO):c.9149G>A (p.Arg3050Gln)

Gene: PCLO (piccolo presynaptic cytomatrix protein; minus strand). Cytogenetic location: 7q21.11.
Variant type: single nucleotide variant.
Coding change: c.9149G>A on transcript NM_033026.6 (MANE Select); coding-DNA position 9149, G replaced by A.
Protein change: p.Arg3050Gln; replaces arginine 3050 with glutamine.
Molecular consequence: missense variant.
Genome position (GRCh38, 1-based): chr7:82,951,439, C>T on the plus strand (G>A on the coding strand, the complement: PCLO is on the minus strand). VCF-style: chr7-82951439-C-T. GRCh37 (hg19) VCF-style: chr7-82580755-C-T.
Other names: c.9149G>A, p.Arg3050Gln (NM_014510.3); c.9149G>A (NM_033026.5); short protein forms R3050Q.
Identifiers: ClinVar variation 1417965 (VCV001417965.4), dbSNP rs773029020, ClinGen allele CA4319976.